The following is an entry in ClinVar:

ClinVar aggregate classification (germline): Pathogenic/Likely pathogenic. Review status: criteria provided, multiple submitters, no conflicts (2 of 4 stars). 2 submissions from 2 submitters: Pathogenic (1); Likely pathogenic (1). Last evaluated 2025-04-21.

Conditions:
Galactosylceramide beta-galactosidase deficiency. Also called: Krabbe Disease; Leukodystrophy, Globoid Cell; GALACTOCEREBROSIDASE DEFICIENCY; GALC DEFICIENCY; GLOBOID CELL LEUKOENCEPHALOPATHY. Identifiers: Orphanet 487, MedGen C0023521, MONDO:0009499, OMIM 245200.

Submissions (2):

Natera, Inc.
Classification: Likely pathogenic for Galactosylceramide beta-galactosidase deficiency. Last evaluated: 2025-04-21. Review status: criteria provided, single submitter. Criteria: Natera Variant Classification Schema (03/2026). Collection method: clinical testing. Allele origin: germline.
Comment: The c.432_433dup variant in GALC is a frameshift variant predicted to shift the reading frame beginning at codon 145 and leads to a stop codon 27 codons downstream. This variant is expected to result in nonsense mediated decay, truncation, or a dysfunctional protein product. This variant is rare in the general population with a frequency below the threshold expected for the associated phenotype(s). Given the available evidence, this variant is classified as Likely Pathogenic.

Labcorp Genetics (formerly Invitae), Labcorp
Classification: Pathogenic for Galactosylceramide beta-galactosidase deficiency. Last evaluated: 2020-06-22. Review status: criteria provided, single submitter. Criteria: Invitae Variant Classification Sherloc (09022015). Collection method: clinical testing. Allele origin: germline.
Comment: For these reasons, this variant has been classified as Pathogenic. Loss-of-function variants in GALC are known to be pathogenic (PMID: 7437911, 9272171, 16607461). This variant has been observed in an individual with a positive newborn screening result for GALC-related disease (PMID: 26795590). This variant is not present in population databases (ExAC no frequency). This sequence change creates a premature translational stop signal (p.Thr145Ilefs*27) in the GALC gene. It is expected to result in an absent or disrupted protein product.

Literature cited by the submitters: PubMed 7437911 (cited by Labcorp Genetics (formerly Invitae), Labcorp); PubMed 9272171 (cited by Labcorp Genetics (formerly Invitae), Labcorp); PubMed 16607461 (cited by Labcorp Genetics (formerly Invitae), Labcorp); PubMed 26795590 (cited by Labcorp Genetics (formerly Invitae), Labcorp).

NM_000153.4(GALC):c.432_433dup (p.Thr145fs)

Gene: GALC (galactosylceramidase; minus strand). Cytogenetic location: 14q31.3.
Variant type: Duplication.
Coding change: c.432_433dup on transcript NM_000153.4 (MANE Select); coding-DNA positions 432 to 433, 2 bases duplicated (TA; older notation c.432_433dupTA).
Protein change: p.Thr145fs; shifts the reading frame from threonine 145.
Molecular consequence: frameshift variant.
Genome position (GRCh38, 1-based): chr14:87,986,498-87,986,499, TA duplicated on the plus strand (TA on the coding strand, the reverse complement: GALC is on the minus strand). VCF-style (leftmost placement, unchanged base first): chr14-87986497-G-GTA. GRCh37 (hg19) VCF-style: chr14-88452841-G-GTA.
Other names: c.432_433dup (NM_000153.3); c.363_364dup, p.Thr122fs (NM_001201401.2); c.354_355dup, p.Thr119fs (NM_001201402.2); short protein forms T119fs, T122fs, T145fs.
Identifiers: ClinVar variation 1070765 (VCV001070765.11), dbSNP rs2139754606, ClinGen allele CA2499222773.